The following is an entry in ClinVar:

NM_000057.4(BLM):c.200T>A (p.Val67Asp)

Gene: BLM (BLM RecQ like helicase; plus strand). Cytogenetic location: 15q26.1.
Variant type: single nucleotide variant.
Coding change: c.200T>A on transcript NM_000057.4 (MANE Select); coding-DNA position 200, T replaced by A.
Protein change: p.Val67Asp; replaces valine 67 with aspartic acid.
Molecular consequence: missense variant. On other transcripts: 5 prime UTR variant (1).
Genome position (GRCh38, 1-based): chr15:90,749,468, T>A. VCF-style: chr15-90749468-T-A. GRCh37 (hg19) VCF-style: chr15-91292698-T-A.
Other names: c.200T>A, p.Val67Asp (NM_001287246.2, NM_001287247.2); c.200T>A (LRG_20t1); c.-1092T>A (NM_001287248.2); short protein forms V67D.
Identifiers: ClinVar variation 485359 (VCV000485359.5), dbSNP rs1555418261, ClinGen allele CA393839701.

ClinVar aggregate classification (germline): Uncertain significance (1 of 4 stars; one submission).

Conditions:
Hereditary cancer-predisposing syndrome. Also called: Neoplastic Syndromes, Hereditary; Tumor predisposition; Hereditary Cancer Syndrome; Hereditary neoplastic syndrome. Identifiers: Orphanet 140162, MedGen C0027672, MeSH D009386, MONDO:0015356.

Submission:

Ambry Genetics
Classification: Uncertain significance for Hereditary cancer-predisposing syndrome. Last evaluated: 2022-03-24. Review status: criteria provided, single submitter. Criteria: Ambry Variant Classification Scheme 2023. Collection method: clinical testing. Allele origin: germline.
Comment: The p.V67D variant (also known as c.200T>A), located in coding exon 2 of the BLM gene, results from a T to A substitution at nucleotide position 200. The valine at codon 67 is replaced by aspartic acid, an amino acid with highly dissimilar properties. This amino acid position is not well conserved in available vertebrate species. In addition, this alteration is predicted to be tolerated by in silico analysis. Since supporting evidence is limited at this time, the clinical significance of this alteration remains unclear.